The following is an entry in ClinVar:

NM_000054.7(AVPR2):c.819_821del (p.Leu274del)

Gene: AVPR2 (arginine vasopressin receptor 2; plus strand). Cytogenetic location: Xq28.
Variant type: Deletion.
Coding change: c.819_821del on transcript NM_000054.7 (MANE Select); coding-DNA positions 819 to 821, 3 bases deleted (GCT; older notation c.819_821delGCT).
Protein change: p.Leu274del; deletes leucine 274.
Molecular consequence: inframe deletion. On other transcripts: non-coding transcript variant (1).
Genome position (GRCh38, 1-based): chrX:153,906,325-153,906,327, GCT deleted. VCF-style (leftmost placement, unchanged base first): chrX-153906324-CGCT-C. GRCh37 (hg19) VCF-style: chrX-153171778-CGCT-C.
Other names: c.819_821del, p.Leu274del (NM_001146151.3); short protein forms L274del.
Identifiers: ClinVar variation 35746 (VCV000035746.3), dbSNP rs193922120, ClinGen allele CA260170.
Genomic context (GRCh38, chrX:153,906,324, plus strand): 5'-CAGGCAGCCCCGGTGAGGGAGCCCACGTGTCAGCAGCTGTGGCCAAGACTGTGAGGATGA[CGCT>C]AGTGATTGTGGTCGTCTATGTGCTGTGCTGGGCACCCTTCTTCCTGGTGCAGCTGTGGGC-3'

ClinVar aggregate classification (germline): Likely pathogenic (1 of 4 stars; one submission).

Conditions:
Nephrogenic diabetes insipidus. Identifiers: Orphanet 223, MedGen C0162283, MONDO:0016383, HP:0009806.

Submission:

Women's Health and Genetics/Laboratory Corporation of America, LabCorp
Classification: Likely pathogenic for Nephrogenic Diabetes Insipidus. Last evaluated: 2011-08-18. Review status: criteria provided, single submitter. Criteria: LabCorp Variant Classification Summary - May 2015. Collection method: curation, clinical testing. Allele origin: germline. Inheritance: Xlinked unknown. Affected: yes.
ClinVar note: Converted during submission from likely pathogenic to Likely pathogenic.